The following is an entry in ClinVar:

NM_020822.3(KCNT1):c.1206T>A (p.Tyr402Ter)

Gene: KCNT1 (potassium sodium-activated channel subfamily T member 1; plus strand). Cytogenetic location: 9q34.3.
Variant type: single nucleotide variant.
Coding change: c.1206T>A on transcript NM_020822.3 (MANE Select); coding-DNA position 1206, T replaced by A.
Protein change: p.Tyr402Ter; replaces tyrosine 402 with a stop codon.
Molecular consequence: nonsense.
Genome position (GRCh38, 1-based): chr9:135,765,629, T>A. VCF-style: chr9-135765629-T-A. GRCh37 (hg19) VCF-style: chr9-138657475-T-A.
Other names: c.1071T>A, p.Tyr357Ter (NM_001272003.2); short protein forms Y357*, Y402*.
Identifiers: ClinVar variation 4993352 (VCV004993352.1).

ClinVar aggregate classification (germline): Uncertain significance (1 of 4 stars; one submission).

Conditions:
KCNT1-related disorder. Also called: KCNT1-related condition.

Submission:

PreventionGenetics, part of Exact Sciences
Classification: Uncertain significance for KCNT1-related condition. Last evaluated: 2026-01-20. Review status: criteria provided, single submitter. Criteria: ACMG Guidelines, 2015. Collection method: clinical testing. Allele origin: germline.
Comment: The KCNT1 c.1206T>A variant is predicted to result in premature protein termination (p.Tyr402*). To our knowledge, this variant has not been reported in the literature or in a large population database, indicating this variant is rare. Loss of function variants have not commonly been reported in the KCNT1 gene and are currently of uncertain clinical significance. At this time, the clinical significance of this variant is uncertain due to the absence of conclusive functional and genetic evidence.